The following is an entry in ClinVar:

NM_001174089.2(SLC4A11):c.867dup (p.Thr290fs)

Gene: SLC4A11 (solute carrier family 4 member 11; minus strand). Cytogenetic location: 20p13.
Variant type: Duplication.
Coding change: c.867dup on transcript NM_001174089.2 (MANE Select); coding-DNA position 867, one base duplicated (C; older notation c.867dupC).
Protein change: p.Thr290fs; shifts the reading frame from threonine 290.
Molecular consequence: frameshift variant. On other transcripts: non-coding transcript variant (3).
Genome position (GRCh38, 1-based): chr20:3,231,411, G duplicated on the plus strand (C on the coding strand, the reverse complement: SLC4A11 is on the minus strand). VCF-style (leftmost placement, unchanged base first): chr20-3231410-T-TG. GRCh37 (hg19) VCF-style: chr20-3212056-T-TG.
Other names: c.867dup, p.Thr290fs (NM_001363745.2); c.810dup, p.Thr271fs (NM_001400277.1, NM_001400278.1, NM_001400279.1); c.996dup, p.Thr333fs (NM_001400280.1, NM_001174090.2); c.915dup, p.Thr306fs (NM_032034.4); short protein forms T271fs, T290fs, T333fs, T306fs.
Identifiers: ClinVar variation 2980263 (VCV002980263.3), dbSNP rs2067773664, ClinGen allele CA2346476602.

ClinVar aggregate classification (germline): Pathogenic (1 of 4 stars; one submission).

Allele frequency attached by ClinVar (database versions not stated): gnomAD exomes below 0.00001; TOPMed below 0.00001.

Submission:

Labcorp Genetics (formerly Invitae), Labcorp
Classification: Pathogenic. Last evaluated: 2023-07-22. Review status: criteria provided, single submitter. Criteria: Invitae Variant Classification Sherloc (09022015). Collection method: clinical testing. Allele origin: germline.
Comment: For these reasons, this variant has been classified as Pathogenic. This variant has not been reported in the literature in individuals affected with SLC4A11-related conditions. This variant is not present in population databases (gnomAD no frequency). This sequence change creates a premature translational stop signal (p.Thr306Hisfs*58) in the SLC4A11 gene. It is expected to result in an absent or disrupted protein product. Loss-of-function variants in SLC4A11 are known to be pathogenic (PMID: 17220209, 17679935).

Literature cited by the submitters: PubMed 17220209; PubMed 17679935.